The following is an entry in ClinVar:

NM_014319.5(LEMD3):c.*225A>G

Gene: LEMD3 (LEM domain containing 3; plus strand). Cytogenetic location: 12q14.3.
Variant type: single nucleotide variant.
Coding change: c.*225A>G on transcript NM_014319.5 (MANE Select); 225 bases downstream of the stop codon, A replaced by G.
Molecular consequence: 3 prime UTR variant.
Genome position (GRCh38, 1-based): chr12:65,246,550, A>G. VCF-style: chr12-65246550-A-G. GRCh37 (hg19) VCF-style: chr12-65640330-A-G.
Other names: c.*225A>G (NM_001167614.2).
Identifiers: ClinVar variation 310244 (VCV000310244.5), dbSNP rs139476203, ClinGen allele CA10638394.
Genomic context (GRCh38, chr12:65,246,550, plus strand): 5'-CAGCAATGCTGAGTAGGTAGGATAATTATTTCATTCAGTTTTTGGAGCTCAGTTAAGCCA[A>G]TACATTTAAAGTTTTGCATGAGGAACACTGACTTTATTAAGCATTTTCAGATGTGGTGGT-3'

ClinVar aggregate classification (germline): Benign (1 of 4 stars; one submission).

Conditions:
Dermatofibrosis lenticularis disseminata (BOS). Also called: DERMATOFIBROSIS LENTICULARIS DISSEMINATA WITH OSTEOPOIKILOSIS; DERMATOOSTEOPOIKILOSIS; OSTEOPATHIA CONDENSANS DISSEMINATA. Identifiers: Orphanet 1306, MedGen C0265514, MONDO:0008157, OMIM 166700.

Allele frequency attached by ClinVar (database versions not stated): gnomAD 0.00233 and 0.00252; TOPMed 0.00277; gnomAD exomes 0.00038; 1000 Genomes Project 30x 0.00125; 1000 Genomes Project 0.00140.
gnomAD v4.1: 504 of 528,040 alleles (0.095%); highest among the groups gnomAD compares: African/African-American, 0.8%; 1 homozygote.

Submission:

Illumina Laboratory Services, Illumina
Classification: Benign for Dermatofibrosis lenticularis disseminata. Last evaluated: 2018-01-12. Review status: criteria provided, single submitter. Criteria: ICSL Variant Classification Criteria 13 December 2019. Collection method: clinical testing. Allele origin: germline.
Comment: This variant was observed in the ICSL laboratory as part of a predisposition screen in an ostensibly healthy population. It had not been previously curated by ICSL or reported in the Human Gene Mutation Database (HGMD: prior to June 1st, 2018), and was therefore a candidate for classification through an automated scoring system. Utilizing variant allele frequency, disease prevalence and penetrance estimates, and inheritance mode, an automated score was calculated to assess if this variant is too frequent to cause the disease. Based on the score and internal cut-off values, a variant classified as benign is not then subjected to further curation. The score for this variant resulted in a classification of benign for this disease.